The following is an entry in ClinVar:

NM_004656.4(BAP1):c.125C>T (p.Pro42Leu)

Gene: BAP1 (BRCA1 associated deubiquitinase 1; minus strand). Cytogenetic location: 3p21.1.
Variant type: single nucleotide variant.
Coding change: c.125C>T on transcript NM_004656.4 (MANE Select); coding-DNA position 125, C replaced by T.
Protein change: p.Pro42Leu; replaces proline 42 with leucine.
Molecular consequence: missense variant.
Genome position (GRCh38, 1-based): chr3:52,408,604, G>A on the plus strand (C>T on the coding strand, the complement: BAP1 is on the minus strand). VCF-style: chr3-52408604-G-A. GRCh37 (hg19) VCF-style: chr3-52442620-G-A.
Other names: c.125C>T (NM_004656.2); short protein forms P42L.
Identifiers: ClinVar variation 922343 (VCV000922343.14), dbSNP rs1705241156, ClinGen allele CA353113840.

ClinVar aggregate classification (germline): Uncertain significance. Review status: criteria provided, multiple submitters, no conflicts (2 of 4 stars). 4 submissions from 4 submitters: Uncertain significance (4). Last evaluated 2025-10-30.

Conditions:
Hereditary cancer-predisposing syndrome. Also called: Neoplastic Syndromes, Hereditary; Tumor predisposition; Hereditary Cancer Syndrome; Hereditary neoplastic syndrome. Identifiers: Orphanet 140162, MedGen C0027672, MeSH D009386, MONDO:0015356.
BAP1-related tumor predisposition syndrome (TPDS1). Also called: Tumor susceptibility linked to germline BAP1 mutations; COMMON Syndrome; TUMOR PREDISPOSITION SYNDROME 1; BAP1 tumor predisposition syndrome. Identifiers: Orphanet 289539, MedGen C3280492, MONDO:0013692, OMIM 614327.

Allele frequency attached by ClinVar (database versions not stated): gnomAD exomes below 0.00001.

Submissions (4):

Ambry Genetics
Classification: Uncertain significance for Hereditary cancer-predisposing syndrome. Last evaluated: 2025-10-30. Review status: criteria provided, single submitter. Criteria: Ambry Variant Classification Scheme 2023. Collection method: clinical testing. Allele origin: germline.
Comment: The p.P42L variant (also known as c.125C>T), located in coding exon 4 of the BAP1 gene, results from a C to T substitution at nucleotide position 125. The proline at codon 42 is replaced by leucine, an amino acid with similar properties. This alteration was functional in a high throughput genome editing haploid cell survival functional assay (Waters AJ et al. Nat Genet, 2024 Jul;56:1434-1445). This amino acid position is highly conserved in available vertebrate species. In addition, this alteration is predicted to be deleterious by in silico analysis. Based on the available evidence, the clinical significance of this variant remains unclear.

Labcorp Genetics (formerly Invitae), Labcorp
Classification: Uncertain significance for BAP1-related tumor predisposition syndrome. Last evaluated: 2024-03-19. Review status: criteria provided, single submitter. Criteria: Invitae Variant Classification Sherloc (09022015). Collection method: clinical testing. Allele origin: germline.
Comment: This sequence change replaces proline, which is neutral and non-polar, with leucine, which is neutral and non-polar, at codon 42 of the BAP1 protein (p.Pro42Leu). This variant is not present in population databases (gnomAD no frequency). This variant has not been reported in the literature in individuals affected with BAP1-related conditions. ClinVar contains an entry for this variant (Variation ID: 922343). An algorithm developed to predict the effect of missense changes on protein structure and function (PolyPhen-2) suggests that this variant is likely to be disruptive. In summary, the available evidence is currently insufficient to determine the role of this variant in disease. Therefore, it has been classified as a Variant of Uncertain Significance.

Baylor Genetics
Classification: Uncertain significance for BAP1-related tumor predisposition syndrome. Last evaluated: 2023-08-06. Review status: criteria provided, single submitter. Criteria: ACMG Guidelines, 2015. Collection method: clinical testing. Allele origin: unknown.

Color Diagnostics, LLC DBA Color Health
Classification: Uncertain significance for Hereditary cancer-predisposing syndrome. Last evaluated: 2021-07-15. Review status: criteria provided, single submitter. Criteria: ACMG Guidelines, 2015. Collection method: clinical testing. Allele origin: germline.
Comment: This missense variant replaces proline with leucine at codon 42 of the BAP1 protein. Computational prediction suggests that this variant may have deleterious impact on protein structure and function (internally defined REVEL score threshold >= 0.7, PMID: 27666373). To our knowledge, functional studies have not been reported for this variant. This variant has not been reported in individuals affected with hereditary cancer in the literature. This variant has not been identified in the general population by the Genome Aggregation Database (gnomAD). The available evidence is insufficient to determine the role of this variant in disease conclusively. Therefore, this variant is classified as a Variant of Uncertain Significance.

Literature cited by the submitters: PubMed 38969833 (cited by Ambry Genetics).